The following is an entry in ClinVar:

NM_000257.4(MYH7):c.652G>T (p.Asp218Tyr)

Gene: MYH7 (myosin heavy chain 7; minus strand). Cytogenetic location: 14q11.2.
Variant type: single nucleotide variant.
Coding change: c.652G>T on transcript NM_000257.4 (MANE Select); coding-DNA position 652, G replaced by T.
Protein change: p.Asp218Tyr; replaces aspartic acid 218 with tyrosine.
Molecular consequence: missense variant.
Genome position (GRCh38, 1-based): chr14:23,431,665, C>A on the plus strand (G>T on the coding strand, the complement: MYH7 is on the minus strand). VCF-style: chr14-23431665-C-A. GRCh37 (hg19) VCF-style: chr14-23900874-C-A.
Other names: c.652G>T (LRG_384t1); short protein forms D218Y.
Identifiers: ClinVar variation 636588 (VCV000636588.3), dbSNP rs1595089520, ClinGen allele CA389052328.

ClinVar aggregate classification (germline): Conflicting classifications of pathogenicity. Review status: criteria provided, conflicting classifications (1 of 4 stars). 2 submissions from 2 submitters: Likely pathogenic (1); Uncertain significance (1). Last evaluated 2023-11-14.

Conditions:
Cardiovascular phenotype. Identifiers: MedGen CN230736.

Submissions (2):

Ambry Genetics
Classification: Likely pathogenic for Cardiovascular phenotype. Last evaluated: 2023-11-14. Review status: criteria provided, single submitter. Criteria: Ambry Variant Classification Scheme 2023. Collection method: clinical testing. Allele origin: germline.
Comment: The p.D218Y variant (also known as c.652G>T), located in coding exon 6 of the MYH7 gene, results from a G to T substitution at nucleotide position 652. The aspartic acid at codon 218 is replaced by tyrosine, an amino acid with highly dissimilar properties. This alteration has been reported in hypertrophic cardiomyopathy (HCM) cohorts (Wang J et al. Eur J Heart Fail, 2014 Sep;16:950-7; Homburger JR et al. Proc Natl Acad Sci U S A, 2016 Jun;113:6701-6; Stava TT et al. Eur J Prev Cardiol, 2022 Oct;29:1789-1799). This alteration is located in the myosin head domain, which contains a statistically significant clustering of pathogenic missense variants (Homburger JR et al. Proc Natl Acad Sci U S A, 2016 06;113:6701-6; Walsh R et al. Genet Med, 2017 02;19:192-203; Ambry internal data). This variant is also considered to be rare based on population cohorts in the Genome Aggregation Database (gnomAD). This amino acid position is highly conserved in available vertebrate species. In addition, this alteration is predicted to be deleterious by in silico analysis. Based on the majority of available evidence to date, this variant is likely to be pathogenic.

Blueprint Genetics
Classification: Uncertain significance. Last evaluated: 2018-03-08. Review status: criteria provided, single submitter. Criteria: ACMG Guidelines, 2015. Collection method: clinical testing. Allele origin: germline.

Literature cited by the submitters: PubMed 25132132 (cited by Ambry Genetics); PubMed 27247418 (cited by Ambry Genetics); PubMed 35653365 (cited by Ambry Genetics).